The following is an entry in ClinVar:

ClinVar aggregate classification (germline): Uncertain significance. Review status: criteria provided, multiple submitters, no conflicts (2 of 4 stars). 2 submissions from 2 submitters: Uncertain significance (2). Last evaluated 2025-10-15.

Conditions:
Cornelia de Lange syndrome 4 (CDLS4). Also called: RAD21-Related Cornelia de Lange Syndrome; CORNELIA DE LANGE SYNDROME 4 WITH OR WITHOUT MIDLINE BRAIN DEFECTS. Identifiers: Orphanet 199, MedGen C3553517, MONDO:0013864, OMIM 614701.

Submissions (2):

Labcorp Genetics (formerly Invitae), Labcorp
Classification: Uncertain significance for Cornelia de Lange syndrome 4. Last evaluated: 2025-10-15. Review status: criteria provided, single submitter. Criteria: Invitae Variant Classification Sherloc (09022015). Collection method: clinical testing. Allele origin: germline.
Comment: This sequence change replaces arginine, which is basic and polar, with tryptophan, which is neutral and slightly polar, at codon 90 of the RAD21 protein (p.Arg90Trp). This variant is not present in population databases (gnomAD no frequency). This variant has not been reported in the literature in individuals affected with RAD21-related conditions. ClinVar contains an entry for this variant (Variation ID: 387725). Invitae Evidence Modeling of protein sequence and biophysical properties (such as structural, functional, and spatial information, amino acid conservation, physicochemical variation, residue mobility, and thermodynamic stability) has been performed for this missense variant. However, the output from this modeling did not meet the statistical confidence thresholds required to predict the impact of this variant on RAD21 protein function. In summary, the available evidence is currently insufficient to determine the role of this variant in disease. Therefore, it has been classified as a Variant of Uncertain Significance.

GeneDx
Classification: Uncertain significance. Last evaluated: 2017-02-20. Review status: criteria provided, single submitter. Criteria: GeneDx Variant Classification (06012015). Collection method: clinical testing. Allele origin: germline. Affected: yes.
Comment: A variant of uncertain significance has been identified in the RAD21 gene. The R90W variant has not been published as a pathogenic variant, nor has it been reported as a benign variant to our knowledge. It was not observed in approximately 6,500 individuals of European and African American ancestry in the NHLBI Exome Sequencing Project, indicating it is not a common benign variant in these populations. The R90W variant is a non-conservative amino acid substitution, which is likely to impact secondary protein structure as these residues differ in polarity, charge, size and/or other properties. This substitution occurs at a position that is conserved across species, and in silico analysis predicts the R90W variant is probably damaging to the protein structure/function. Based on the currently available information, it is unclear whether this variant is a pathogenic variant or a rare benign variant.

NM_006265.3(RAD21):c.268C>T (p.Arg90Trp)

Gene: RAD21 (RAD21 cohesin complex component; minus strand). Cytogenetic location: 8q24.11.
Variant type: single nucleotide variant.
Coding change: c.268C>T on transcript NM_006265.3 (MANE Select); coding-DNA position 268, C replaced by T.
Protein change: p.Arg90Trp; replaces arginine 90 with tryptophan.
Molecular consequence: missense variant.
Genome position (GRCh38, 1-based): chr8:116,863,136, G>A on the plus strand (C>T on the coding strand, the complement: RAD21 is on the minus strand). VCF-style: chr8-116863136-G-A. GRCh37 (hg19) VCF-style: chr8-117875375-G-A.
Other names: short protein forms R90W.
Identifiers: ClinVar variation 387725 (VCV000387725.3), dbSNP rs1057522888, ClinGen allele CA16605433.